The following is an entry in ClinVar:

NM_001029883.3(PCARE):c.524A>G (p.Asp175Gly)

Gene: PCARE (photoreceptor cilium actin regulator; minus strand). Cytogenetic location: 2p23.2.
Variant type: single nucleotide variant.
Coding change: c.524A>G on transcript NM_001029883.3 (MANE Select); coding-DNA position 524, A replaced by G.
Protein change: p.Asp175Gly; replaces aspartic acid 175 with glycine.
Molecular consequence: missense variant.
Genome position (GRCh38, 1-based): chr2:29,073,738, T>C on the plus strand (A>G on the coding strand, the complement: PCARE is on the minus strand). VCF-style: chr2-29073738-T-C. GRCh37 (hg19) VCF-style: chr2-29296604-T-C.
Other names: short protein forms D175G.
Identifiers: ClinVar variation 1395069 (VCV001395069.8), dbSNP rs1280650039, ClinGen allele CA346482105.

ClinVar aggregate classification (germline): Uncertain significance (1 of 4 stars; one submission).

Allele frequency attached by ClinVar (database versions not stated): gnomAD exomes below 0.00001.
gnomAD v4.1: 1 of 1,614,178 alleles (0.000062%); highest among the groups gnomAD compares: Admixed American, 0.0017%; no homozygotes.

Submission:

Labcorp Genetics (formerly Invitae), Labcorp
Classification: Uncertain significance. Last evaluated: 2022-06-27. Review status: criteria provided, single submitter. Criteria: Invitae Variant Classification Sherloc (09022015). Collection method: clinical testing. Allele origin: germline.
Comment: In summary, the available evidence is currently insufficient to determine the role of this variant in disease. Therefore, it has been classified as a Variant of Uncertain Significance. Algorithms developed to predict the effect of missense changes on protein structure and function (SIFT, PolyPhen-2, Align-GVGD) all suggest that this variant is likely to be disruptive. This variant has not been reported in the literature in individuals affected with PCARE-related conditions. This variant is present in population databases (no rsID available, gnomAD 0.003%). This sequence change replaces aspartic acid, which is acidic and polar, with glycine, which is neutral and non-polar, at codon 175 of the PCARE protein (p.Asp175Gly).